The following is an entry in ClinVar:

NM_000455.5(STK11):c.*29_*40del

Gene: STK11 (serine/threonine kinase 11; plus strand). Cytogenetic location: 19p13.3.
Variant type: Deletion.
Coding change: c.*29_*40del on transcript NM_000455.5 (MANE Select); 29 bases downstream of the stop codon through 40 bases downstream of the stop codon, 12 bases deleted (AGCCCCGCCAGG).
Molecular consequence: 3 prime UTR variant.
Genome position (GRCh38, 1-based): chr19:1,227,605-1,227,616, AGCCCCGCCAGG deleted; deleting any 12 consecutive bases within chr19:1,227,600-1,227,616 gives the same sequence; the c. name uses the placement nearest the transcript's 3' end. VCF-style (leftmost placement, unchanged base first): chr19-1227599-TCCAGGAGCCCCG-T. GRCh37 (hg19) VCF-style: chr19-1227598-TCCAGGAGCCCCG-T.
Other names: c.*29_*40delAGCCCCGCCAGG (NM_000455.4).
Identifiers: ClinVar variation 421373 (VCV000421373.1), dbSNP rs1064795093, ClinGen allele CA16620765.
Genomic context (GRCh38, chr19:1,227,599, plus strand): 5'-AGGCGGAGAACCGGTGCCCAGGCTGACCTCTTCCGTCTTCCTTCCACCCTGCAGCCCGTG[TCCAGGAGCCCCG>T]CCAGGTGCCCGCGCCAGGCCCTCAGTCTTCCTGCCGGTTCCGCCCGCCCTCCCGGAGAGG-3'

ClinVar aggregate classification (germline): Likely benign (1 of 4 stars; one submission).

Submission:

GeneDx
Classification: Likely benign. Last evaluated: 2016-06-03. Review status: criteria provided, single submitter. Criteria: GeneDx Variant Classification (06012015). Collection method: clinical testing. Allele origin: germline. Affected: yes.
Comment: This variant is considered likely benign or benign based on one or more of the following criteria: it is a conservative change, it occurs at a poorly conserved position in the protein, it is predicted to be benign by multiple in silico algorithms, and/or has population frequency not consistent with disease.